The following is an entry in ClinVar:

NM_000545.8(HNF1A):c.599_600dup (p.Arg201fs)

Gene: HNF1A (HNF1 homeobox A; plus strand). Cytogenetic location: 12q24.31.
Variant type: Duplication.
Coding change: c.599_600dup on transcript NM_000545.8 (MANE Select); coding-DNA positions 599 to 600, 2 bases duplicated (GG; older notation c.599_600dupGG).
Protein change: p.Arg201fs; shifts the reading frame from arginine 201.
Molecular consequence: frameshift variant.
Genome position (GRCh38, 1-based): chr12:120,993,592-120,993,593, GG duplicated. VCF-style (leftmost placement, unchanged base first): chr12-120993591-C-CGG. GRCh37 (hg19) VCF-style: chr12-121431394-C-CGG.
Other names: c.599_600dup, p.Arg201fs (NM_001306179.2, NM_001406915.1); short protein forms R201fs.
Identifiers: ClinVar variation 4735945 (VCV004735945.1).
Genomic context (GRCh38, chr12:120,993,591, plus strand): 5'-GCAGGGCAGGGAGGGCTGATTGAAGAGCCCACAGGTGATGAGCTACCAACCAAGAAGGGG[C>CGG]GGAGGAACCGTTTCAAGTGGGGCCCAGCATCCCAGCAGATCCTGTTCCAGGCCTATGAGA-3'

ClinVar aggregate classification (germline): Pathogenic (1 of 4 stars; one submission).

Submission:

Labcorp Genetics (formerly Invitae), Labcorp
Classification: Pathogenic. Last evaluated: 2026-01-22. Review status: criteria provided, single submitter. Criteria: Invitae Variant Classification Sherloc (09022015). Collection method: clinical testing. Allele origin: germline.
Comment: This sequence change creates a premature translational stop signal (p.Arg201Glyfs*33) in the HNF1A gene. It is expected to result in an absent or disrupted protein product. Loss-of-function variants in HNF1A are known to be pathogenic (PMID: 15928245, 18003757). This variant is not present in population databases (gnomAD no frequency). This variant has not been reported in the literature in individuals affected with HNF1A-related conditions. Algorithms developed to predict the effect of sequence changes on RNA splicing suggest that this variant may disrupt the consensus splice site. For these reasons, this variant has been classified as Pathogenic.

Literature cited by the submitters: PubMed 15928245; PubMed 18003757.